The following is an entry in ClinVar:

NM_001042492.3(NF1):c.656C>T (p.Ala219Val)

Gene: NF1 (neurofibromin 1; plus strand). Cytogenetic location: 17q11.2.
Variant type: single nucleotide variant.
Coding change: c.656C>T on transcript NM_001042492.3 (MANE Select); coding-DNA position 656, C replaced by T.
Protein change: p.Ala219Val; replaces alanine 219 with valine.
Molecular consequence: missense variant.
Genome position (GRCh38, 1-based): chr17:31,181,711, C>T. VCF-style: chr17-31181711-C-T. GRCh37 (hg19) VCF-style: chr17-29508729-C-T.
Other names: c.656C>T, p.Ala219Val (NM_000267.4, NM_001128147.3); short protein forms A219V.
Identifiers: ClinVar variation 481921 (VCV000481921.13), dbSNP rs1160353919, ClinGen allele CA398989622.

ClinVar aggregate classification (germline): Uncertain significance. Review status: criteria provided, multiple submitters, no conflicts (2 of 4 stars). 3 submissions from 3 submitters: Uncertain significance (3). Last evaluated 2025-08-01.

Conditions:
Cardiovascular phenotype. Identifiers: MedGen CN230736.
Hereditary cancer-predisposing syndrome. Also called: Hereditary neoplastic syndrome; Neoplastic Syndromes, Hereditary; Tumor predisposition; Hereditary Cancer Syndrome. Identifiers: Orphanet 140162, MedGen C0027672, MeSH D009386, MONDO:0015356.
Neurofibromatosis, type 1 (NF1). Also called: VON RECKLINGHAUSEN DISEASE; Peripheral type neurofibromatosis; NEUROFIBROMATOSIS, TYPE I, SOMATIC; Neurofibromatosis, type I. Identifiers: Orphanet 636, MedGen C0027831, MONDO:0018975, OMIM 162200. Disease mechanism: loss of function.

Submissions (3):

Ambry Genetics
Classification: Uncertain significance for Cardiovascular phenotype; Hereditary cancer-predisposing syndrome. Last evaluated: 2025-08-01. Review status: criteria provided, single submitter. Criteria: Ambry Variant Classification Scheme 2023. Collection method: clinical testing. Allele origin: germline.
Comment: The p.A219V variant (also known as c.656C>T), located in coding exon 7 of the NF1 gene, results from a C to T substitution at nucleotide position 656. The alanine at codon 219 is replaced by valine, an amino acid with similar properties. This amino acid position is highly conserved in available vertebrate species. In addition, this alteration is predicted to be deleterious by in silico analysis. Since supporting evidence is limited at this time, the clinical significance of this alteration remains unclear.

Labcorp Genetics (formerly Invitae), Labcorp
Classification: Uncertain significance for Neurofibromatosis, type 1. Last evaluated: 2024-08-29. Review status: criteria provided, single submitter. Criteria: Invitae Variant Classification Sherloc (09022015). Collection method: clinical testing. Allele origin: germline.
Comment: This sequence change replaces alanine, which is neutral and non-polar, with valine, which is neutral and non-polar, at codon 219 of the NF1 protein (p.Ala219Val). This variant is not present in population databases (gnomAD no frequency). This variant has not been reported in the literature in individuals affected with NF1-related conditions. ClinVar contains an entry for this variant (Variation ID: 481921). An algorithm developed to predict the effect of missense changes on protein structure and function (PolyPhen-2) suggests that this variant is likely to be disruptive. In summary, the available evidence is currently insufficient to determine the role of this variant in disease. Therefore, it has been classified as a Variant of Uncertain Significance.

Genome-Nilou Lab
Classification: Uncertain significance for Neurofibromatosis, type 1. Last evaluated: 2022-03-15. Review status: criteria provided, single submitter. Criteria: ACMG Guidelines, 2015. Collection method: clinical testing. Allele origin: germline. Affected: no.